The following is an entry in ClinVar:

NM_000257.4(MYH7):c.1717C>A (p.Pro573Thr)

Gene: MYH7 (myosin heavy chain 7; minus strand). Cytogenetic location: 14q11.2.
Variant type: single nucleotide variant.
Coding change: c.1717C>A on transcript NM_000257.4 (MANE Select); coding-DNA position 1717, C replaced by A.
Protein change: p.Pro573Thr; replaces proline 573 with threonine.
Molecular consequence: missense variant.
Genome position (GRCh38, 1-based): chr14:23,427,756, G>T on the plus strand (C>A on the coding strand, the complement: MYH7 is on the minus strand). VCF-style: chr14-23427756-G-T. GRCh37 (hg19) VCF-style: chr14-23896965-G-T.
Other names: c.1717C>A, p.Pro573Thr (NM_001407004.1); short protein forms P573T.
Identifiers: ClinVar variation 2433943 (VCV002433943.4), dbSNP rs2502297085, ClinGen allele CA389049967.
Genomic context (GRCh38, chr14:23,427,756, plus strand): 5'-AGCCAATGATGTTGTAGTCCACGATGCCGGCATAGTGGATCAGGGAGAAGTGGGCTTCAG[G>T]CTTCCCCTTGATATTGCGTGGCTTCTGGAAGTTGGCGGATTTGCCCAGGTGGTTGTCAAA-3'
Protein context (NP_000248.2, residues 563-583): FQKPRNIKGK[Pro573Thr]EAHFSLIHYA

ClinVar aggregate classification (germline): Uncertain significance. Review status: criteria provided, multiple submitters, no conflicts (2 of 4 stars). 2 submissions from 2 submitters: Uncertain significance (2). Last evaluated 2024-06-09.

Conditions:
Cardiomyopathy (CMYO). Also called: Cardiomyopathies. Identifiers: Orphanet 167848, MedGen C0878544, MONDO:0004994, HP:0001638. Inheritance: Various modes of inheritance.

Submissions (2):

All of Us Research Program, National Institutes of Health
Classification: Uncertain significance for Cardiomyopathy. Last evaluated: 2024-06-09. Review status: criteria provided, single submitter. Criteria: ACMG Guidelines, 2015. Collection method: clinical testing. Allele origin: germline. Inheritance: Autosomal dominant inheritance. Observed: 1 variant allele, 1 heterozygote.
Comment: This missense variant replaces proline with threonine at codon 573 of the MYH7 protein. Computational prediction tools indicate that this variant has a neutral impact on protein structure and function. To our knowledge, functional studies have not been reported for this variant. This variant has not been reported in individuals affected with MYH7-related disorders in the literature. This variant has not been identified in the general population by the Genome Aggregation Database (gnomAD). The available evidence is insufficient to determine the role of this variant in disease conclusively. Therefore, this variant is classified as a Variant of Uncertain Significance.

This study involves interpretation of variants in research participants for the purpose of population health screening. Participant phenotype was not available at the time of variant classification. Additional details can be found in publication PMID: 35346344, PMCID: PMC8962531

Revvity Omics, Revvity
Classification: Uncertain significance. Last evaluated: 2021-09-09. Review status: criteria provided, single submitter. Criteria: ACMG Guidelines, 2015. Collection method: clinical testing. Allele origin: germline.